The following is an entry in ClinVar:

ClinVar aggregate classification (germline): Uncertain significance. Review status: criteria provided, multiple submitters, no conflicts (2 of 4 stars). 3 submissions from 3 submitters: Uncertain significance (3). Last evaluated 2025-03-04.

Conditions:
Inborn genetic diseases. Identifiers: MedGen C0950123, MeSH D030342.

Allele frequency attached by ClinVar (database versions not stated): gnomAD 0.00003; gnomAD exomes 0.00004; ExAC 0.00005; TOPMed 0.00006.
gnomAD v4.1: 132 of 1,613,678 alleles (0.0082%); highest among the groups gnomAD compares: South Asian, 0.0099%; no homozygotes.

Submissions (3):

Ambry Genetics
Classification: Uncertain significance for Inborn genetic diseases. Last evaluated: 2025-03-04. Review status: criteria provided, single submitter. Criteria: Ambry Variant Classification Scheme 2023. Collection method: clinical testing. Allele origin: germline.

Blueprint Genetics
Classification: Uncertain significance. Last evaluated: 2024-09-04. Review status: criteria provided, single submitter. Criteria: ACMG Guidelines, 2015. Collection method: clinical testing. Allele origin: germline.

Labcorp Genetics (formerly Invitae), Labcorp
Classification: Uncertain significance. Last evaluated: 2024-01-29. Review status: criteria provided, single submitter. Criteria: Invitae Variant Classification Sherloc (09022015). Collection method: clinical testing. Allele origin: germline.
Comment: This sequence change replaces asparagine, which is neutral and polar, with aspartic acid, which is acidic and polar, at codon 173 of the DNAJC12 protein (p.Asn173Asp). This variant is present in population databases (rs781123113, gnomAD 0.006%). This variant has not been reported in the literature in individuals affected with DNAJC12-related conditions. ClinVar contains an entry for this variant (Variation ID: 1506337). An algorithm developed to predict the effect of missense changes on protein structure and function (PolyPhen-2) suggests that this variant¬†is likely to be tolerated. In summary, the available evidence is currently insufficient to determine the role of this variant in disease. Therefore, it has been classified as a Variant of Uncertain Significance.

NM_021800.3(DNAJC12):c.517A>G (p.Asn173Asp)

Gene: DNAJC12 (DnaJ heat shock protein family (Hsp40) member C12; minus strand). Cytogenetic location: 10q21.3.
Variant type: single nucleotide variant.
Coding change: c.517A>G on transcript NM_021800.3 (MANE Select); coding-DNA position 517, A replaced by G.
Protein change: p.Asn173Asp; replaces asparagine 173 with aspartic acid.
Molecular consequence: missense variant.
Genome position (GRCh38, 1-based): chr10:67,797,196, T>C on the plus strand (A>G on the coding strand, the complement: DNAJC12 is on the minus strand). VCF-style: chr10-67797196-T-C. GRCh37 (hg19) VCF-style: chr10-69556954-T-C.
Other names: c.517A>G (NM_021800.2); short protein forms N173D.
Identifiers: ClinVar variation 1506337 (VCV001506337.8), dbSNP rs781123113, ClinGen allele CA5520773.